The following is an entry in ClinVar:

ClinVar aggregate classification (germline): Uncertain significance (1 of 4 stars; one submission).

Conditions:
Hereditary cancer-predisposing syndrome. Also called: Hereditary Cancer Syndrome; Neoplastic Syndromes, Hereditary; Tumor predisposition; Hereditary neoplastic syndrome. Identifiers: Orphanet 140162, MedGen C0027672, MeSH D009386, MONDO:0015356.

gnomAD v4.1: 1 of 1,614,216 alleles (0.000062%); highest among the groups gnomAD compares: Non-Finnish European, 0.000085%; no homozygotes.

Submission:

Ambry Genetics
Classification: Uncertain significance for Hereditary cancer-predisposing syndrome. Last evaluated: 2026-07-07. Review status: criteria provided, single submitter. Criteria: Ambry Variant Classification Scheme 2023. Collection method: clinical testing. Allele origin: germline.
Comment: The p.V943F variant (also known as c.2827G>T), located in coding exon 23 of the EGFR gene, results from a G to T substitution at nucleotide position 2827. The valine at codon 943 is replaced by phenylalanine, an amino acid with highly similar properties. This amino acid position is conserved. In addition, this alteration is predicted to be deleterious by in silico analysis. Based on the available evidence, the clinical significance of this variant remains unclear.

NM_005228.5(EGFR):c.2827G>T (p.Val943Phe)

Gene: EGFR (epidermal growth factor receptor; plus strand). Cytogenetic location: 7p11.2.
Variant type: single nucleotide variant.
Coding change: c.2827G>T on transcript NM_005228.5 (MANE Select); coding-DNA position 2827, G replaced by T.
Protein change: p.Val943Phe; replaces valine 943 with phenylalanine.
Molecular consequence: missense variant.
Genome position (GRCh38, 1-based): chr7:55,198,842, G>T. VCF-style: chr7-55198842-G-T. GRCh37 (hg19) VCF-style: chr7-55266535-G-T.
Other names: c.2692G>T, p.Val898Phe (NM_001346897.2, NM_001346899.2); c.2827G>T, p.Val943Phe (NM_001346898.2); c.2668G>T, p.Val890Phe (NM_001346900.2); c.2026G>T, p.Val676Phe (NM_001346941.2); short protein forms V898F, V676F, V890F, V943F.
Identifiers: ClinVar variation 5035773 (VCV005035773.1).